The following is an entry in ClinVar:

ClinVar aggregate classification (germline): Conflicting classifications of pathogenicity. Review status: criteria provided, conflicting classifications (1 of 4 stars). 3 submissions from 3 submitters: Uncertain significance (2); Likely benign (1). Last evaluated 2025-08-20.

Conditions:
Familial hypercholesterolemia. Also called: Familial hypercholesterolemias; Familial hypercholesterolaemia. Identifiers: MedGen C0020445, MONDO:0005439.
Hypercholesterolemia, autosomal dominant, 3 (FHCL3). Also called: Familial Hypercholesterolemia, Autosomal Dominant, 3; PCSK9-Related Familial Hypercholesterolemia, Autosomal Dominant; Familial hypercholesterolemia 3. Identifiers: MedGen C1863551, MONDO:0011369, OMIM 603776.

gnomAD v4.1: 18 of 1,613,962 alleles (0.0011%); highest among the groups gnomAD compares: East Asian, 0.04%; no homozygotes.

Submissions (3):

Color Diagnostics, LLC DBA Color Health
Classification: Likely benign for Familial hypercholesterolemia. Last evaluated: 2025-08-20. Review status: criteria provided, single submitter. Criteria: ACMG Guidelines, 2015. Collection method: clinical testing. Allele origin: germline.

GeneDx
Classification: Uncertain significance. Last evaluated: 2025-04-23. Review status: criteria provided, single submitter. Criteria: GeneDx Variant Classification Process June 2021. Collection method: clinical testing. Allele origin: germline. Affected: yes.
Comment: This variant is associated with the following publications: (PMID: 34526433, 38960631)

All of Us Research Program, National Institutes of Health
Classification: Uncertain significance for Hypercholesterolemia, autosomal dominant, 3. Last evaluated: 2023-08-15. Review status: criteria provided, single submitter. Criteria: ACMG Guidelines, 2015. Collection method: clinical testing. Allele origin: germline. Inheritance: Autosomal dominant inheritance. Observed: 1 variant allele, 1 heterozygote.
Comment: This missense variant replaces arginine with glycine at codon 659 of the PCSK9 protein. Computational prediction suggests that this variant may not impact protein structure and function (internally defined REVEL score threshold <= 0.5, PMID: 27666373). To our knowledge, functional studies have not been reported for this variant. This variant has been reported in an individual affected with acute coronary syndrome (PMID: 34526433). This variant has been identified in 4/250948 chromosomes in the general population by the Genome Aggregation Database (gnomAD). The available evidence is insufficient to determine the role of this variant in disease conclusively. Therefore, this variant is classified as a Variant of Uncertain Significance.

This study involves interpretation of variants in research participants for the purpose of population health screening. Participant phenotype was not available at the time of variant classification. Additional details can be found in publication PMID: 35346344, PMCID: PMC8962531

Literature cited by the submitters: PubMed 34526433 (cited by All of Us Research Program, National Institutes of Health).

NM_174936.4(PCSK9):c.1975C>G (p.Arg659Gly)

Gene: PCSK9 (proprotein convertase subtilisin/kexin type 9; plus strand). Cytogenetic location: 1p32.3.
Variant type: single nucleotide variant.
Coding change: c.1975C>G on transcript NM_174936.4 (MANE Select); coding-DNA position 1975, C replaced by G.
Protein change: p.Arg659Gly; replaces arginine 659 with glycine.
Molecular consequence: missense variant. On other transcripts: non-coding transcript variant (8).
Genome position (GRCh38, 1-based): chr1:55,063,480, C>G. VCF-style: chr1-55063480-C-G. GRCh37 (hg19) VCF-style: chr1-55529153-C-G.
Other names: c.2098C>G, p.Arg700Gly (NM_001407240.1); c.2017C>G, p.Arg673Gly (NM_001407241.1); c.1978C>G, p.Arg660Gly (NM_001407242.1); c.1918C>G, p.Arg640Gly (NM_001407243.1); c.1801C>G, p.Arg601Gly (NM_001407244.1); c.1783C>G, p.Arg595Gly (NM_001407245.1); c.1600C>G, p.Arg534Gly (NM_001407246.1); c.1474C>G, p.Arg492Gly (NM_001407247.1); short protein forms R492G, R534G, R595G, R601G, R640G, R659G, R660G, R673G.
Identifiers: ClinVar variation 3072920 (VCV003072920.3), dbSNP rs147182054, ClinGen allele CA040013.